The following is an entry in ClinVar:

NM_001168474.2(TAF7L):c.191C>T (p.Ala64Val)

Gene: TAF7L (TATA-box binding protein associated factor 7 like; minus strand). Cytogenetic location: Xq22.1.
Variant type: single nucleotide variant.
Coding change: c.191C>T on transcript NM_001168474.2 (MANE Select); coding-DNA position 191, C replaced by T.
Protein change: p.Ala64Val; replaces alanine 64 with valine.
Molecular consequence: missense variant.
Genome position (GRCh38, 1-based): chrX:101,283,538, G>A on the plus strand (C>T on the coding strand, the complement: TAF7L is on the minus strand). VCF-style: chrX-101283538-G-A. GRCh37 (hg19) VCF-style: chrX-100538526-G-A.
Other names: c.191C>T, p.Ala64Val (NM_001410720.1); c.449C>T, p.Ala150Val (NM_024885.4); short protein forms A64V, A150V.
Identifiers: ClinVar variation 4592503 (VCV004592503.1).
Genomic context (GRCh38, chrX:101,283,538, plus strand): 5'-GTTTTTTTATCAAGCGTTCTCAGGCTTTCAATAACACAAGGCAAGTCAACCAGCTTAGCA[G>A]CTAGTGGGACATCTTCTACTTCAACAACTGCATGGCGCCCATCAGCTGAAGAGAAGTAAA-3'
Protein context (NP_001161946.1, residues 54-74): AVVEVEDVPL[Ala64Val]AKLVDLPCVI

ClinVar aggregate classification (germline): Uncertain significance (1 of 4 stars; one submission).

gnomAD v4.1: 6 of 1,211,624 alleles (0.0005%); highest among the groups gnomAD compares: South Asian, 0.007%; no homozygotes.

Submission:

Ambry Genetics
Classification: Uncertain significance. Last evaluated: 2025-12-11. Review status: criteria provided, single submitter. Criteria: Ambry Variant Classification Scheme 2023. Collection method: clinical testing. Allele origin: germline.
Comment: The c.449C>T (p.A150V) alteration is located in exon 4 (coding exon 4) of the TAF7L gene. This alteration results from a C to T substitution at nucleotide position 449, causing the alanine (A) at amino acid position 150 to be replaced by a valine (V). Based on data from gnomAD, the T allele has an overall frequency of 0.001% (2/183309) total alleles studied. The highest observed frequency was 0.011% (2/19017) of South Asian alleles. Based on insufficient or conflicting evidence, the clinical significance of this alteration remains unclear.